The following is an entry in ClinVar:

NM_153676.4(USH1C):c.672C>A (p.Cys224Ter)

Gene: USH1C (USH1 protein network component harmonin; minus strand). Cytogenetic location: 11p15.1.
Variant type: single nucleotide variant.
Coding change: c.672C>A on transcript NM_153676.4 (MANE Select); coding-DNA position 672, C replaced by A.
Protein change: p.Cys224Ter; replaces cysteine 224 with a stop codon.
Molecular consequence: nonsense. On other transcripts: non-coding transcript variant (1).
Genome position (GRCh38, 1-based): chr11:17,526,349, G>T on the plus strand (C>A on the coding strand, the complement: USH1C is on the minus strand). VCF-style: chr11-17526349-G-T. GRCh37 (hg19) VCF-style: chr11-17547896-G-T.
Other names: c.672C>A, p.Cys224Ter (NM_001297764.2, NM_005709.4); short protein forms C224*.
Identifiers: ClinVar variation 556381 (VCV000556381.15), dbSNP rs1223763703, ClinGen allele CA379793132.
Genomic context (GRCh38, chr11:17,526,349, plus strand): 5'-TAGGGGCCTGCTGGGGTGCACTGGCCACGAATGACCCCAGGGCATGCCTGCCACCCACCT[G>T]CAGCCAAGGCCTCGGGAGCCTACCAGGCTGATGAAGACCTTCTTCTCCTTGTTTTCCCGA-3'

ClinVar aggregate classification (germline): Pathogenic. Review status: criteria provided, multiple submitters, no conflicts (2 of 4 stars). 5 submissions from 5 submitters: Pathogenic (4). 1 of the submissions does not count toward it. Last evaluated 2025-06-30.

Conditions:
Autosomal recessive nonsyndromic hearing loss 18A. Also called: DEAFNESS, AUTOSOMAL RECESSIVE 18; Deafness, autosomal recessive 18A. Identifiers: Orphanet 90636, MedGen C1865870, MONDO:0011192, OMIM 602092.
Usher syndrome type 1C. Also called: USHER SYNDROME, TYPE I, ACADIAN VARIETY. Identifiers: Orphanet 231169, Orphanet 886, MedGen C1848604, MONDO:0010171, OMIM 276904.

Allele frequency attached by ClinVar (database versions not stated): gnomAD 0.00001; TOPMed 0.00002.
gnomAD v4.1: 4 of 1,613,212 alleles (0.00025%); no homozygotes.

Submissions (5):

Natera, Inc.
Classification: Pathogenic for Usher syndrome type 1C. Last evaluated: 2025-06-30. Review status: criteria provided, single submitter. Criteria: Natera Variant Classification Schema (03/2026). Collection method: clinical testing. Allele origin: germline.
Comment: The c.672C>A variant in USH1C is a nonsense variant predicted to introduce a stop codon at amino acid 224. This variant is expected to result in nonsense mediated decay, truncation, or a dysfunctional protein product. This variant is rare in the general population with a frequency below the threshold expected for the associated phenotype(s). This variant has been observed in one or more individuals affected with the associated recessive disease, as either homozygous or compound heterozygous with a second variant (PMID: 21203349). Given the available evidence, this variant is classified as Pathogenic.

Baylor Genetics
Classification: Pathogenic for Autosomal recessive nonsyndromic hearing loss 18A. Last evaluated: 2024-02-26. Review status: criteria provided, single submitter. Criteria: ACMG Guidelines, 2015. Collection method: clinical testing. Allele origin: unknown.

Fulgent Genetics
Classification: Pathogenic for Usher syndrome type 1C; Autosomal recessive nonsyndromic hearing loss 18A. Last evaluated: 2024-01-15. Review status: criteria provided, single submitter. Criteria: ACMG Guidelines, 2015. Collection method: clinical testing. Allele origin: germline.

Labcorp Genetics (formerly Invitae), Labcorp
Classification: Pathogenic. Last evaluated: 2023-04-08. Review status: criteria provided, single submitter. Criteria: Invitae Variant Classification Sherloc (09022015). Collection method: clinical testing. Allele origin: germline.
Comment: ClinVar contains an entry for this variant (Variation ID: 556381). For these reasons, this variant has been classified as Pathogenic. This premature translational stop signal has been observed in individual(s) with Usher syndrome (PMID: 21203349). The frequency data for this variant in the population databases is considered unreliable, as metrics indicate poor data quality at this position in the gnomAD database. This sequence change creates a premature translational stop signal (p.Cys224*) in the USH1C gene. It is expected to result in an absent or disrupted protein product. Loss-of-function variants in USH1C are known to be pathogenic (PMID: 10973247, 17407589, 20301442, 21203349).

Counsyl
Classification: Likely pathogenic for Usher syndrome type 1C; Autosomal recessive nonsyndromic hearing loss 18A. Last evaluated: 2018-01-26. Review status: no assertion criteria provided. Collection method: clinical testing. Allele origin: unknown. Not counted in ClinVar's aggregate classification.

Literature cited by the submitters: PubMed 21203349 (cited by 3 submitters); PubMed 10973247 (cited by Labcorp Genetics (formerly Invitae), Labcorp); PubMed 17407589 (cited by Labcorp Genetics (formerly Invitae), Labcorp); PubMed 20301442 (cited by Labcorp Genetics (formerly Invitae), Labcorp).